The following is an entry in ClinVar:

NM_001369.3(DNAH5):c.11228_11230delinsTAAGAGACAGT (p.Arg3743fs)

Genes: DNAH5 (dynein axonemal heavy chain 5; minus strand), LOC107457585 (meiotic recombination hotspot J; plus strand). Cytogenetic location: 5p15.2.
Variant type: Indel.
Coding change: c.11228_11230delinsTAAGAGACAGT on transcript NM_001369.3 (MANE Select); coding-DNA positions 11228 to 11230, GAA replaced by TAAGAGACAGT.
Protein change: p.Arg3743fs; shifts the reading frame from arginine 3743.
Molecular consequence: frameshift variant.
Genome position (GRCh38, 1-based): chr5:13,737,477-13,737,479, TTC replaced by ACTGTCTCTTA on the plus strand (GAA replaced by TAAGAGACAGT on the coding strand, the reverse complement: DNAH5 is on the minus strand). VCF-style: chr5-13737477-TTC-ACTGTCTCTTA. GRCh37 (hg19) VCF-style: chr5-13737586-TTC-ACTGTCTCTTA.
Other names: short protein forms R3743fs.
Identifiers: ClinVar variation 5011155 (VCV005011155.1).

ClinVar aggregate classification (germline): Pathogenic (1 of 4 stars; one submission).

Conditions:
Primary ciliary dyskinesia 3. Identifiers: Orphanet 244, MedGen C1837618, MONDO:0012085, OMIM 608644.

Submission:

Myriad Genetics, Inc.
Classification: Pathogenic for Primary ciliary dyskinesia 3. Last evaluated: 2024-05-14. Review status: criteria provided, single submitter. Criteria: Myriad Autosomal Dominant, Autosomal Recessive and X-Linked Classification Criteria (2023). Collection method: clinical testing. Allele origin: unknown.
Comment: NM_001369.2(DNAH5):c.11228_11230del3ins11(R3743Ifs*7) is expected to be pathogenic in the context of primary ciliary dyskinesia, DNAH5-related. This variant is predicted to lead to an abnormal or absent protein product due to the creation of a premature termination codon in DNAH5, a gene where loss-of-function variants are known to be pathogenic. Please note: this variant was assessed in the context of healthy population screening.